The following is an entry in ClinVar:

NM_020376.4(PNPLA2):c.1217C>T (p.Pro406Leu)

Gene: PNPLA2 (patatin like domain 2, triacylglycerol lipase; plus strand). Cytogenetic location: 11p15.5.
Variant type: single nucleotide variant.
Coding change: c.1217C>T on transcript NM_020376.4 (MANE Select); coding-DNA position 1217, C replaced by T.
Protein change: p.Pro406Leu; replaces proline 406 with leucine.
Molecular consequence: missense variant.
Genome position (GRCh38, 1-based): chr11:824,564, C>T. VCF-style: chr11-824564-C-T. GRCh37 (hg19) VCF-style: chr11-824564-C-T.
Other names: short protein forms P406L.
Identifiers: ClinVar variation 853506 (VCV000853506.14), dbSNP rs370098225, ClinGen allele CA5791339.

ClinVar aggregate classification (germline): Uncertain significance. Review status: criteria provided, multiple submitters, no conflicts (2 of 4 stars). 5 submissions from 5 submitters: Uncertain significance (5). Last evaluated 2025-01-27.

Conditions:
Neutral lipid storage myopathy (NLSDM). Also called: NEUTRAL LIPID STORAGE DISEASE WITHOUT ICHTHYOSIS. Identifiers: Orphanet 98908, MedGen C1853136, MONDO:0012545, OMIM 610717.
Inborn genetic diseases. Identifiers: MedGen C0950123, MeSH D030342.

Allele frequency attached by ClinVar (database versions not stated): ESP Exome Variant Server 0.00008; TOPMed 0.00016; gnomAD exomes 0.00019; gnomAD 0.00023 and 0.00025; ExAC 0.00029.
gnomAD v4.1: 213 of 1,567,176 alleles (0.014%); highest among the groups gnomAD compares: Non-Finnish European, 0.0096%; no homozygotes.

Submissions (5):

Labcorp Genetics (formerly Invitae), Labcorp
Classification: Uncertain significance for Neutral lipid storage myopathy. Last evaluated: 2025-01-27. Review status: criteria provided, single submitter. Criteria: Invitae Variant Classification Sherloc (09022015). Collection method: clinical testing. Allele origin: germline.
Comment: This sequence change replaces proline, which is neutral and non-polar, with leucine, which is neutral and non-polar, at codon 406 of the PNPLA2 protein (p.Pro406Leu). This variant is present in population databases (rs370098225, gnomAD 0.1%). This variant has not been reported in the literature in individuals affected with PNPLA2-related conditions. ClinVar contains an entry for this variant (Variation ID: 853506). An algorithm developed to predict the effect of missense changes on protein structure and function (PolyPhen-2) suggests that this variant is likely to be disruptive. In summary, the available evidence is currently insufficient to determine the role of this variant in disease. Therefore, it has been classified as a Variant of Uncertain Significance.

Blueprint Genetics
Classification: Uncertain significance. Last evaluated: 2024-10-24. Review status: criteria provided, single submitter. Criteria: ACMG Guidelines, 2015. Collection method: clinical testing. Allele origin: germline.

GeneDx
Classification: Uncertain significance. Last evaluated: 2024-05-29. Review status: criteria provided, single submitter. Criteria: GeneDx Variant Classification Process June 2021. Collection method: clinical testing. Allele origin: germline. Affected: yes.
Comment: In silico analysis supports that this missense variant has a deleterious effect on protein structure/function; Has not been previously published as pathogenic or benign to our knowledge

Ambry Genetics
Classification: Uncertain significance for Inborn genetic diseases. Last evaluated: 2023-03-22. Review status: criteria provided, single submitter. Criteria: Ambry Variant Classification Scheme 2023. Collection method: clinical testing. Allele origin: germline.

Revvity Omics, Revvity
Classification: Uncertain significance for Neutral lipid storage myopathy. Last evaluated: 2019-04-18. Review status: criteria provided, single submitter. Criteria: ACMG Guidelines, 2015. Collection method: clinical testing. Allele origin: germline.